The following is an entry in ClinVar:

NM_177438.3(DICER1):c.4662T>C (p.Ile1554=)

Gene: DICER1 (dicer 1, ribonuclease III; minus strand). Cytogenetic location: 14q32.13.
Variant type: single nucleotide variant.
Coding change: c.4662T>C on transcript NM_177438.3 (MANE Select); coding-DNA position 4662, T replaced by C.
Protein change: p.Ile1554=; no amino-acid change (isoleucine 1554 retained).
Molecular consequence: synonymous variant. On other transcripts: non-coding transcript variant (6).
Genome position (GRCh38, 1-based): chr14:95,096,258, A>G on the plus strand (T>C on the coding strand, the complement: DICER1 is on the minus strand). VCF-style: chr14-95096258-A-G. GRCh37 (hg19) VCF-style: chr14-95562595-A-G.
Other names: c.4662T>C, p.Ile1554= (NM_001195573.1, NM_001271282.3, NM_001291628.2 and 12 more transcripts); c.4380T>C, p.Ile1460= (NM_001395686.1); c.4257T>C, p.Ile1419= (NM_001395687.1, NM_001395688.1, NM_001395689.1 and 2 more transcripts); c.4095T>C, p.Ile1365= (NM_001395691.1); c.2979T>C, p.Ile993= (NM_001395697.1).
Identifiers: ClinVar variation 4085752 (VCV004085752.8).
Genomic context (GRCh38, chr14:95,096,258, plus strand): 5'-ACAGCTGGTTAAATAGCAGCCCAGCAGGGCTTCCACACAGTCCGCTATGCTTTTGTCAGC[A>G]ATACACTGCTCAGTGTGCAAGTCGTAAGAAATGGACTGCTTTCCCGTGTCAACACCACAG-3'
Protein context (NP_803187.1, residues 1544-1564): ISYDLHTEQC[Ile1554=]ADKSIADCVE

ClinVar aggregate classification (germline): Likely benign (1 of 4 stars; one submission).

Submission:

CeGaT Center for Human Genetics Tuebingen
Classification: Likely benign. Last evaluated: 2025-08-01. Review status: criteria provided, single submitter. Criteria: CeGaT Center For Human Genetics Tuebingen Variant Classification Criteria Version 2. Collection method: clinical testing. Allele origin: germline. Affected: yes. Observed: 1 variant allele.
Comment: DICER1: PM2:Supporting, BP4, BP7